The following is an entry in ClinVar:

ClinVar aggregate classification (germline): Uncertain significance (1 of 4 stars; one submission).

Submission:

GeneDx
Classification: Uncertain significance. Last evaluated: 2022-11-07. Review status: criteria provided, single submitter. Criteria: GeneDx Variant Classification Process June 2021. Collection method: clinical testing. Allele origin: germline. Affected: yes.
Comment: Not observed at significant frequency in large population cohorts (gnomAD); In silico analysis supports that this missense variant has a deleterious effect on protein structure/function; Has not been previously published as pathogenic or benign to our knowledge

NM_015100.4(POGZ):c.2314C>T (p.His772Tyr)

Gene: POGZ (pogo transposable element derived with ZNF domain; minus strand). Cytogenetic location: 1q21.3.
Variant type: single nucleotide variant.
Coding change: c.2314C>T on transcript NM_015100.4 (MANE Select); coding-DNA position 2314, C replaced by T.
Protein change: p.His772Tyr; replaces histidine 772 with tyrosine.
Molecular consequence: missense variant.
Genome position (GRCh38, 1-based): chr1:151,408,161, G>A on the plus strand (C>T on the coding strand, the complement: POGZ is on the minus strand). VCF-style: chr1-151408161-G-A. GRCh37 (hg19) VCF-style: chr1-151380637-G-A.
Other names: c.2287C>T, p.His763Tyr (NM_001194937.2); c.2128C>T, p.His710Tyr (NM_001194938.2); c.2335C>T, p.His779Tyr (NM_001410860.1); c.2029C>T, p.His677Tyr (NM_145796.4); c.2155C>T, p.His719Tyr (NM_207171.2); short protein forms H677Y, H710Y, H719Y, H763Y, H772Y, H779Y.
Identifiers: ClinVar variation 2501438 (VCV002501438.1), dbSNP rs2529239417, ClinGen allele CA341955255.
Genomic context (GRCh38, chr1:151,408,161, plus strand): 5'-TGATCATGTGGTTGGCATAAGCTCGAGAACAGCAGGTGCTATAGCGACACAGAGAGCAGT[G>A]TACGTAAGTAGGGAAATGATTAGGGAAGTCTGGGATCTCGAAGCTGCACTCCAGGCATGT-3'
Protein context (NP_055915.2, residues 762-782): DFPNHFPTYV[His772Tyr]CSLCRYSTCC